The following is an entry in ClinVar:

ClinVar aggregate classification (germline): Uncertain significance (1 of 4 stars; one submission).

Conditions:
Developmental and epileptic encephalopathy 94 (DEE94). Also called: CHD2-Related Neurodevelopmental Disorders; Epileptic encephalopathy, childhood-onset. Identifiers: Orphanet 1942, Orphanet 2382, MedGen C3809278, MONDO:0014150, OMIM 615369.

gnomAD v4.1: 1 of 1,597,130 alleles (0.000063%); no homozygotes.

Submission:

Labcorp Genetics (formerly Invitae), Labcorp
Classification: Uncertain significance for Developmental and epileptic encephalopathy 94. Last evaluated: 2024-04-14. Review status: criteria provided, single submitter. Criteria: Invitae Variant Classification Sherloc (09022015). Collection method: clinical testing. Allele origin: germline.
Comment: This sequence change replaces asparagine, which is neutral and polar, with tyrosine, which is neutral and polar, at codon 409 of the CHD2 protein (p.Asn409Tyr). This variant is not present in population databases (gnomAD no frequency). This variant has not been reported in the literature in individuals affected with CHD2-related conditions. ClinVar contains an entry for this variant (Variation ID: 1952716). Advanced modeling of protein sequence and biophysical properties (such as structural, functional, and spatial information, amino acid conservation, physicochemical variation, residue mobility, and thermodynamic stability) performed at Invitae indicates that this missense variant is not expected to disrupt CHD2 protein function with a negative predictive value of 95%. In summary, the available evidence is currently insufficient to determine the role of this variant in disease. Therefore, it has been classified as a Variant of Uncertain Significance.

NM_001271.4(CHD2):c.1225A>T (p.Asn409Tyr)

Gene: CHD2 (chromodomain helicase DNA binding protein 2; plus strand). Cytogenetic location: 15q26.1.
Variant type: single nucleotide variant.
Coding change: c.1225A>T on transcript NM_001271.4 (MANE Select); coding-DNA position 1225, A replaced by T.
Protein change: p.Asn409Tyr; replaces asparagine 409 with tyrosine.
Molecular consequence: missense variant.
Genome position (GRCh38, 1-based): chr15:92,946,064, A>T. VCF-style: chr15-92946064-A-T. GRCh37 (hg19) VCF-style: chr15-93489294-A-T.
Other names: c.1225A>T, p.Asn409Tyr (NM_001042572.3); short protein forms N409Y.
Identifiers: ClinVar variation 1952716 (VCV001952716.5), dbSNP rs531251618, ClinGen allele CA274873909.